The following is an entry in ClinVar:

ClinVar aggregate classification (germline): Uncertain significance. Review status: criteria provided, multiple submitters, no conflicts (2 of 4 stars). 2 submissions from 2 submitters: Uncertain significance (2). Last evaluated 2025-08-23.

Conditions:
Hemorrhage. Identifiers: MedGen C0019080, MeSH D006470.
Inborn genetic diseases. Identifiers: MedGen C0950123, MeSH D030342.

Allele frequency attached by ClinVar (database versions not stated): gnomAD 0.00002; gnomAD exomes 0.00004; TOPMed 0.00005; ESP Exome Variant Server 0.00008; ExAC 0.00012.

Submissions (2):

Ambry Genetics
Classification: Uncertain significance for Inborn genetic diseases. Last evaluated: 2025-08-23. Review status: criteria provided, single submitter. Criteria: Ambry Variant Classification Scheme 2023. Collection method: clinical testing. Allele origin: germline.

ISTH-SSC Genomics in Thrombosis and Hemostasis, KU Leuven, Center for Molecular and Vascular Biology
Classification: Uncertain significance for Hemorrhage. Review status: criteria provided, single submitter. Criteria: ACMG Guidelines, 2015. Collection method: clinical testing. Allele origin: germline. Affected: yes. Observed: 1 heterozygote.
Comment: Submitted to GoldVariant by Kathleen Freson, Center for Molecular and Vascular Biology, Leuven, Belgium

NM_021870.3(FGG):c.503C>T (p.Thr168Met)

Gene: FGG (fibrinogen gamma chain; minus strand). Cytogenetic location: 4q32.1.
Variant type: single nucleotide variant.
Coding change: c.503C>T on transcript NM_021870.3 (MANE Select); coding-DNA position 503, C replaced by T.
Protein change: p.Thr168Met; replaces threonine 168 with methionine.
Molecular consequence: missense variant.
Genome position (GRCh38, 1-based): chr4:154,610,096, G>A on the plus strand (C>T on the coding strand, the complement: FGG is on the minus strand). VCF-style: chr4-154610096-G-A. GRCh37 (hg19) VCF-style: chr4-155531248-G-A.
Other names: c.503C>T (NM_000509.4); c.503C>T, p.Thr168Met (NM_000509.6); short protein forms T168M.
Identifiers: ClinVar variation 1703849 (VCV001703849.2), dbSNP rs371692602, ClinGen allele CA3115637.
Genomic context (GRCh38, chr4:154,610,096, plus strand): 5'-ACCTAATCCCAATATAACCTTCATCAGTTACCTTTCCCAGTGATATCATGGATTTGCACC[G>A]TGTCTTTGCAAGGTTCCTGGCACTGTGCTTCAAGCTGGGCTACCTTCTCTTTCAGGTTAA-3'
Protein context (NP_068656.2, residues 158-178): EAQCQEPCKD[Thr168Met]VQIHDITGKD